The following is an entry in ClinVar:

NM_001349206.2(LPIN1):c.1075C>A (p.Pro359Thr)

Gene: LPIN1 (lipin 1; plus strand). Cytogenetic location: 2p25.1.
Variant type: single nucleotide variant.
Coding change: c.1075C>A on transcript NM_001349206.2 (MANE Select); coding-DNA position 1075, C replaced by A.
Protein change: p.Pro359Thr; replaces proline 359 with threonine.
Molecular consequence: missense variant. On other transcripts: non-coding transcript variant (1).
Genome position (GRCh38, 1-based): chr2:11,782,318, C>A. VCF-style: chr2-11782318-C-A. GRCh37 (hg19) VCF-style: chr2-11922444-C-A.
Other names: c.985C>A, p.Pro329Thr (NM_001261427.3); c.1222C>A, p.Pro408Thr (NM_001261428.3); c.967C>A, p.Pro323Thr (NM_001349199.2, NM_001349200.2, NM_001349201.2 and 1 more transcripts); c.1072C>A, p.Pro358Thr (NM_001349202.2, NM_001349203.2); c.1075C>A, p.Pro359Thr (NM_001349204.2, NM_001349205.2); c.1165C>A, p.Pro389Thr (NM_001349207.2); c.1114C>A, p.Pro372Thr (NM_001349208.2); short protein forms P408T, P359T, P372T, P389T, P329T, P358T, P323T.
Identifiers: ClinVar variation 2007461 (VCV002007461.4), dbSNP rs2546127333, ClinGen allele CA345856453.
Genomic context (GRCh38, chr2:11,782,318, plus strand): 5'-GATAAAAGTCACTTTCAGGCCATTCACAGCGAATCTTCAGACACTTTTAGTGACCAATCG[C>A]CAACTCTGGTCGGTGGGGCACTTTTGGACCAGAACAAGCCTCAGACAGAAATGCAGTTTG-3'
Protein context (NP_001336135.1, residues 349-369): ESSDTFSDQS[Pro359Thr]TLVGGALLDQ

ClinVar aggregate classification (germline): Uncertain significance (1 of 4 stars; one submission).

Submission:

Labcorp Genetics (formerly Invitae), Labcorp
Classification: Uncertain significance. Last evaluated: 2022-06-16. Review status: criteria provided, single submitter. Criteria: Invitae Variant Classification Sherloc (09022015). Collection method: clinical testing. Allele origin: germline.
Comment: In summary, the available evidence is currently insufficient to determine the role of this variant in disease. Therefore, it has been classified as a Variant of Uncertain Significance. Algorithms developed to predict the effect of missense changes on protein structure and function (SIFT, PolyPhen-2, Align-GVGD) all suggest that this variant is likely to be tolerated. This variant has not been reported in the literature in individuals affected with LPIN1-related conditions. This variant is not present in population databases (gnomAD no frequency). This sequence change replaces proline, which is neutral and non-polar, with threonine, which is neutral and polar, at codon 323 of the LPIN1 protein (p.Pro323Thr).